The following is an entry in ClinVar:

NM_001365951.3(KIF1B):c.287A>G (p.Tyr96Cys)

Gene: KIF1B (kinesin family member 1B; plus strand). Cytogenetic location: 1p36.22.
Variant type: single nucleotide variant.
Coding change: c.287A>G on transcript NM_001365951.3 (MANE Select); coding-DNA position 287, A replaced by G.
Protein change: p.Tyr96Cys; replaces tyrosine 96 with cysteine.
Molecular consequence: missense variant.
Genome position (GRCh38, 1-based): chr1:10,258,596, A>G. VCF-style: chr1-10258596-A-G. GRCh37 (hg19) VCF-style: chr1-10318654-A-G.
Other names: c.287A>G, p.Tyr96Cys (NM_001365952.1, NM_001365953.1, NM_015074.3 and 1 more transcripts); short protein forms Y96C.
Identifiers: ClinVar variation 648109 (VCV000648109.11), dbSNP rs774337231, ClinGen allele CA580662.

ClinVar aggregate classification (germline): Uncertain significance. Review status: criteria provided, multiple submitters, no conflicts (2 of 4 stars). 2 submissions from 2 submitters: Uncertain significance (2). Last evaluated 2025-08-20.

Conditions:
Charcot-Marie-Tooth disease type 2. Also called: Charcot-Marie-Tooth type 2. Identifiers: Orphanet 64746, MedGen C0270914, MONDO:0018993.

Allele frequency attached by ClinVar (database versions not stated): gnomAD exomes 0.00001 and below 0.00001; TOPMed 0.00001; ExAC 0.00001; gnomAD 0.00001.
gnomAD v4.1: 15 of 1,614,016 alleles (0.00093%); highest among the groups gnomAD compares: Non-Finnish European, 0.0012%; no homozygotes.

Submissions (2):

Labcorp Genetics (formerly Invitae), Labcorp
Classification: Uncertain significance for Charcot-Marie-Tooth disease type 2. Last evaluated: 2025-08-20. Review status: criteria provided, single submitter. Criteria: Invitae Variant Classification Sherloc (09022015). Collection method: clinical testing. Allele origin: germline.
Comment: This sequence change replaces tyrosine, which is neutral and polar, with cysteine, which is neutral and slightly polar, at codon 96 of the KIF1B protein (p.Tyr96Cys). This variant is present in population databases (rs774337231, gnomAD 0.0009%). This variant has not been reported in the literature in individuals affected with KIF1B-related conditions. ClinVar contains an entry for this variant (Variation ID: 648109). Invitae Evidence Modeling of protein sequence and biophysical properties (such as structural, functional, and spatial information, amino acid conservation, physicochemical variation, residue mobility, and thermodynamic stability) indicates that this missense variant is expected to disrupt KIF1B protein function with a positive predictive value of 80%. In summary, the available evidence is currently insufficient to determine the role of this variant in disease. Therefore, it has been classified as a Variant of Uncertain Significance.

Ambry Genetics
Classification: Uncertain significance. Last evaluated: 2024-01-12. Review status: criteria provided, single submitter. Criteria: Ambry Variant Classification Scheme 2023. Collection method: clinical testing. Allele origin: germline.
Comment: The p.Y96C variant (also known as c.287A>G), located in coding exon 3 of the KIF1B gene, results from an A to G substitution at nucleotide position 287. The tyrosine at codon 96 is replaced by cysteine, an amino acid with highly dissimilar properties. This amino acid position is highly conserved in available vertebrate species. In addition, this alteration is predicted to be deleterious by in silico analysis. Since supporting evidence is limited at this time, the clinical significance of this alteration remains unclear.